The following is an entry in ClinVar:

ClinVar aggregate classification (germline): Conflicting classifications of pathogenicity. Review status: criteria provided, conflicting classifications (1 of 4 stars). 2 submissions from 2 submitters: Uncertain significance (1); Likely benign (1). Last evaluated 2024-01-26.

Conditions:
Charcot-Marie-Tooth disease type 4. Also called: Charcot-Marie-Tooth disease, type IV; Charcot-Marie-Tooth, Type 4. Identifiers: Orphanet 64749, MedGen C4082197, MONDO:0018995.

Allele frequency attached by ClinVar (database versions not stated): gnomAD exomes below 0.00001.
gnomAD v4.1: 3 of 1,613,946 alleles (0.00019%); highest among the groups gnomAD compares: Non-Finnish European, 0.00017%; no homozygotes.

Submissions (2):

Labcorp Genetics (formerly Invitae), Labcorp
Classification: Likely benign for Charcot-Marie-Tooth disease type 4. Last evaluated: 2024-01-26. Review status: criteria provided, single submitter. Criteria: Invitae Variant Classification Sherloc (09022015). Collection method: clinical testing. Allele origin: germline.

Athena Diagnostics
Classification: Uncertain significance. Last evaluated: 2023-05-08. Review status: criteria provided, single submitter. Criteria: Athena Diagnostics Criteria. Collection method: clinical testing. Allele origin: unknown.
Comment: Available data are insufficient to determine the clinical significance of the variant at this time. This variant has not been reported in large, multi-ethnic general populations. Computational tools yielded predictions that this variant is unlikely to have an effect on normal RNA splicing.

NM_181882.3(PRX):c.1134C>T (p.Ala378=)

Gene: PRX (periaxin; minus strand). Cytogenetic location: 19q13.2.
Variant type: single nucleotide variant.
Coding change: c.1134C>T on transcript NM_181882.3 (MANE Select); coding-DNA position 1134, C replaced by T.
Protein change: p.Ala378=; no amino-acid change (alanine 378 retained).
Molecular consequence: synonymous variant. On other transcripts: 3 prime UTR variant (1).
Genome position (GRCh38, 1-based): chr19:40,397,218, G>A on the plus strand (C>T on the coding strand, the complement: PRX is on the minus strand). VCF-style: chr19-40397218-G-A. GRCh37 (hg19) VCF-style: chr19-40903125-G-A.
Other names: c.1419C>T, p.Ala473= (NM_001411127.1); c.*1339C>T (NM_020956.2).
Identifiers: ClinVar variation 2684313 (VCV002684313.4), dbSNP rs889462287, ClinGen allele CA308421134.